The following is an entry in ClinVar:

NM_001110219.3(GJB6):c.310C>G (p.Arg104Gly)

Gene: GJB6 (gap junction protein beta 6; minus strand). Cytogenetic location: 13q12.11.
Variant type: single nucleotide variant.
Coding change: c.310C>G on transcript NM_001110219.3 (MANE Select); coding-DNA position 310, C replaced by G.
Protein change: p.Arg104Gly; replaces arginine 104 with glycine.
Molecular consequence: missense variant.
Genome position (GRCh38, 1-based): chr13:20,223,171, G>C on the plus strand (C>G on the coding strand, the complement: GJB6 is on the minus strand). VCF-style: chr13-20223171-G-C. GRCh37 (hg19) VCF-style: chr13-20797310-G-C.
Other names: c.310C>G, p.Arg104Gly (NM_001110220.3, NM_001110221.3, NM_001370090.1 and 3 more transcripts); short protein forms R104G.
Identifiers: ClinVar variation 4538112 (VCV004538112.1).

ClinVar aggregate classification (germline): Uncertain significance (1 of 4 stars; one submission).

gnomAD v4.1: 3 of 1,613,458 alleles (0.00019%); highest among the groups gnomAD compares: South Asian, 0.0033%; no homozygotes.

Submission:

GeneDx
Classification: Uncertain significance. Last evaluated: 2025-06-13. Review status: criteria provided, single submitter. Criteria: GeneDx Variant Classification Process June 2021. Collection method: clinical testing. Allele origin: germline. Affected: yes.
Comment: In silico analysis supports that this missense variant has a deleterious effect on protein structure/function; Has not been previously published as pathogenic or benign to our knowledge